The following is an entry in ClinVar:

NM_001843.4(CNTN1):c.2081T>C (p.Ile694Thr)

Gene: CNTN1 (contactin 1; plus strand). Cytogenetic location: 12q12.
Variant type: single nucleotide variant.
Coding change: c.2081T>C on transcript NM_001843.4 (MANE Select); coding-DNA position 2081, T replaced by C.
Protein change: p.Ile694Thr; replaces isoleucine 694 with threonine.
Molecular consequence: missense variant.
Genome position (GRCh38, 1-based): chr12:40,993,237, T>C. VCF-style: chr12-40993237-T-C. GRCh37 (hg19) VCF-style: chr12-41387039-T-C.
Other names: c.2048T>C, p.Ile683Thr (NM_175038.2); short protein forms I683T, I694T.
Identifiers: ClinVar variation 948925 (VCV000948925.9), dbSNP rs144933003, ClinGen allele CA6517040.

ClinVar aggregate classification (germline): Conflicting classifications of pathogenicity. Review status: criteria provided, conflicting classifications (1 of 4 stars). 2 submissions from 2 submitters: Uncertain significance (1); Likely benign (1). Last evaluated 2026-03-06.

Conditions:
Compton-North congenital myopathy (CMYO12). Identifiers: Orphanet 210163, MedGen C2675527, MONDO:0012929, OMIM 612540.

Allele frequency attached by ClinVar (database versions not stated): 1000 Genomes Project 0.00040; 1000 Genomes Project 30x 0.00047; TOPMed 0.00004; gnomAD 0.00009 and 0.00005; ExAC 0.00031; gnomAD exomes 0.00017 and 0.00027; ESP Exome Variant Server 0.00008.
gnomAD v4.1: 257 of 1,613,878 alleles (0.016%); highest among the groups gnomAD compares: South Asian, 0.17%; 3 homozygotes.

Submissions (2):

GeneDx
Classification: Uncertain significance. Last evaluated: 2026-03-06. Review status: criteria provided, single submitter. Criteria: GeneDx Variant Classification Process June 2021. Collection method: clinical testing. Allele origin: germline.
Comment: In silico analysis suggests that this missense variant does not alter protein structure/function; Has not been previously published as pathogenic or benign to our knowledge

Labcorp Genetics (formerly Invitae), Labcorp
Classification: Likely benign for Compton-North congenital myopathy. Last evaluated: 2025-10-02. Review status: criteria provided, single submitter. Criteria: Invitae Variant Classification Sherloc (09022015). Collection method: clinical testing. Allele origin: germline.